The following is an entry in ClinVar:

NM_170675.5(MEIS2):c.24G>T (p.Leu8=)

Gene: MEIS2 (Meis homeobox 2; minus strand). Cytogenetic location: 15q14.
Variant type: single nucleotide variant.
Coding change: c.24G>T on transcript NM_170675.5 (MANE Select); coding-DNA position 24, G replaced by T.
Protein change: p.Leu8=; no amino-acid change (leucine 8 retained).
Molecular consequence: synonymous variant. On other transcripts: 5 prime UTR variant (3), non-coding transcript variant (1).
Genome position (GRCh38, 1-based): chr15:37,098,188, C>A on the plus strand (G>T on the coding strand, the complement: MEIS2 is on the minus strand). VCF-style: chr15-37098188-C-A. GRCh37 (hg19) VCF-style: chr15-37390389-C-A.
Other names: c.24G>T, p.Leu8= (NM_001220482.2, NM_170674.5, NM_170676.5 and 1 more transcripts); c.-16G>T (NM_002399.4, NM_172315.3); c.-218G>T (NM_172316.3).
Identifiers: ClinVar variation 1166144 (VCV001166144.11), dbSNP rs369672617, ClinGen allele CA7469496.

ClinVar aggregate classification (germline): Benign/Likely benign. Review status: criteria provided, multiple submitters, no conflicts (2 of 4 stars). 2 submissions from 2 submitters: Benign (1); Likely benign (1). Last evaluated 2026-06-01.

Conditions:
Cardiac malformation, cleft lip/palate, microcephaly, and digital anomalies. Also called: CLEFT PALATE, CARDIAC DEFECTS, AND IMPAIRED INTELLECTUAL DEVELOPMENT. Identifiers: MedGen C1832950, MONDO:0010970, OMIM 600987.

Allele frequency attached by ClinVar (database versions not stated): gnomAD exomes 0.00003 and 0.00011; ESP Exome Variant Server 0.00015; ExAC 0.00016; gnomAD 0.00016 and 0.00018; TOPMed 0.00019; 1000 Genomes Project 30x 0.00031; 1000 Genomes Project 0.00040.
gnomAD v4.1: 74 of 1,602,048 alleles (0.0046%); highest among the groups gnomAD compares: African/African-American, 0.062%; no homozygotes.

Submissions (2):

CeGaT Center for Human Genetics Tuebingen
Classification: Likely benign. Last evaluated: 2026-06-01. Review status: criteria provided, single submitter. Criteria: CeGaT Center For Human Genetics Tuebingen Variant Classification Criteria Version 2. Collection method: clinical testing. Allele origin: germline. Affected: yes. Observed: 1 variant allele.
Comment: MEIS2: BP4, BP7

Labcorp Genetics (formerly Invitae), Labcorp
Classification: Benign for Cardiac malformation, cleft lip/palate, microcephaly, and digital anomalies. Last evaluated: 2025-12-26. Review status: criteria provided, single submitter. Criteria: Invitae Variant Classification Sherloc (09022015). Collection method: clinical testing. Allele origin: germline.